The following is an entry in ClinVar:

NM_198578.4(LRRK2):c.4608G>A (p.Ser1536=)

Gene: LRRK2 (leucine rich repeat kinase 2; plus strand). Cytogenetic location: 12q12.
Variant type: single nucleotide variant.
Coding change: c.4608G>A on transcript NM_198578.4 (MANE Select); coding-DNA position 4608, G replaced by A.
Protein change: p.Ser1536=; no amino-acid change (serine 1536 retained).
Molecular consequence: synonymous variant.
Genome position (GRCh38, 1-based): chr12:40,314,043, G>A. VCF-style: chr12-40314043-G-A. GRCh37 (hg19) VCF-style: chr12-40707845-G-A.
Identifiers: ClinVar variation 533775 (VCV000533775.31), dbSNP rs202073944, ClinGen allele CA6514228.

ClinVar aggregate classification (germline): Likely benign. Review status: criteria provided, multiple submitters, no conflicts (2 of 4 stars). 3 submissions from 3 submitters: Likely benign (3). Last evaluated 2024-05-12.

Conditions:
Inborn genetic diseases. Identifiers: MedGen C0950123, MeSH D030342.
Autosomal dominant Parkinson disease 8. Also called: LRRK2-Related Parkinson Disease; Parkinson disease 8; Parkinson disease 8, susceptibility to. Identifiers: Orphanet 411602, MedGen C1846862, MONDO:0011764, OMIM 607060.

Allele frequency attached by ClinVar (database versions not stated): ExAC 0.00002; gnomAD exomes 0.00002; TOPMed 0.00002.
gnomAD v4.1: 42 of 1,612,066 alleles (0.0026%); highest among the groups gnomAD compares: East Asian, 0.0067%; no homozygotes.

Submissions (3):

Labcorp Genetics (formerly Invitae), Labcorp
Classification: Likely benign for Autosomal dominant Parkinson disease 8. Last evaluated: 2024-05-12. Review status: criteria provided, single submitter. Criteria: Invitae Variant Classification Sherloc (09022015). Collection method: clinical testing. Allele origin: germline.

CeGaT Center for Human Genetics Tuebingen
Classification: Likely benign. Last evaluated: 2024-03-01. Review status: criteria provided, single submitter. Criteria: CeGaT Center For Human Genetics Tuebingen Variant Classification Criteria Version 2. Collection method: clinical testing. Allele origin: germline. Affected: yes. Observed: 1 variant allele.
Comment: LRRK2: BP4, BP7

Ambry Genetics
Classification: Likely benign for Inborn genetic diseases. Last evaluated: 2022-02-12. Review status: criteria provided, single submitter. Criteria: Ambry Variant Classification Scheme 2023. Collection method: clinical testing. Allele origin: germline.